The following is an entry in ClinVar:

NM_000834.5(GRIN2B):c.2056G>A (p.Val686Met)

Gene: GRIN2B (glutamate ionotropic receptor NMDA type subunit 2B; minus strand). Cytogenetic location: 12p13.1.
Variant type: single nucleotide variant.
Coding change: c.2056G>A on transcript NM_000834.5 (MANE Select); coding-DNA position 2056, G replaced by A.
Protein change: p.Val686Met; replaces valine 686 with methionine.
Molecular consequence: missense variant.
Genome position (GRCh38, 1-based): chr12:13,571,919, C>T on the plus strand (G>A on the coding strand, the complement: GRIN2B is on the minus strand). VCF-style: chr12-13571919-C-T. GRCh37 (hg19) VCF-style: chr12-13724853-C-T.
Other names: c.2056G>A (NM_000834.3); short protein forms V686M.
Identifiers: ClinVar variation 1467695 (VCV001467695.9), dbSNP rs2136415913, ClinGen allele CA383999884.

ClinVar aggregate classification (germline): Pathogenic/Likely pathogenic. Review status: criteria provided, multiple submitters, no conflicts (2 of 4 stars). 3 submissions from 3 submitters: Pathogenic (1); Likely pathogenic (2). Last evaluated 2025-06-20.

Conditions:
Intellectual developmental disorder, autosomal dominant 6, with or without seizures. Also called: Intellectual disability, autosomal dominant 6; GRIN2B-related developmental delay, intellectual disability and autism spectrum disorder. Identifiers: Orphanet 589547, MedGen C3151411, MONDO:0013509, OMIM 613970.
Developmental and epileptic encephalopathy, 27 (DEE27). Also called: Epileptic encephalopathy, early infantile, 27; GRIN2B-Related Neurodevelopmental Disorder. Identifiers: Orphanet 3451, MedGen C4015316, MONDO:0014505, OMIM 616139.
Inborn genetic diseases. Identifiers: MedGen C0950123, MeSH D030342.

Allele frequency attached by ClinVar (database versions not stated): gnomAD exomes below 0.00001.
gnomAD v4.1: 1 of 1,614,004 alleles (0.000062%); highest among the groups gnomAD compares: Non-Finnish European, 0.000085%; no homozygotes.

Submissions (3):

GeneDx
Classification: Likely pathogenic. Last evaluated: 2025-06-20. Review status: criteria provided, single submitter. Criteria: GeneDx Variant Classification Process June 2021. Collection method: clinical testing. Allele origin: germline. Affected: yes.
Comment: Reported as a de novo variant in an patient in published literature from a cohort of individuals with autism spectrum disorder; however, detailed clinical information was not provided and de novo variants in other genes were also reported (PMID: 35982160); Not observed at significant frequency in large population cohorts (gnomAD); In silico analysis supports that this missense variant has a deleterious effect on protein structure/function; This variant is associated with the following publications: (PMID: 27839871, 35982159, 35982160)

Ambry Genetics
Classification: Likely pathogenic for Inborn genetic diseases. Last evaluated: 2024-08-06. Review status: criteria provided, single submitter. Criteria: Ambry Variant Classification Scheme 2023. Collection method: clinical testing. Allele origin: germline.
Comment: The c.2056G>A (p.V686M) alteration is located in exon 10 (coding exon 9) of the GRIN2B gene. This alteration results from a G to A substitution at nucleotide position 2056, causing the valine (V) at amino acid position 686 to be replaced by a methionine (M). This variant was not reported in population-based cohorts in the Genome Aggregation Database (gnomAD). This amino acid position is highly conserved in available vertebrate species. This missense alteration is located in a region that has a low rate of benign missense variation (Lek, 2016; Firth, 2009). This alteration is predicted to be deleterious by in silico analysis. Based on the available evidence, this alteration is classified as likely pathogenic.

Labcorp Genetics (formerly Invitae), Labcorp
Classification: Pathogenic for Developmental and epileptic encephalopathy, 27; Intellectual developmental disorder, autosomal dominant 6, with or without seizures. Last evaluated: 2024-02-06. Review status: criteria provided, single submitter. Criteria: Invitae Variant Classification Sherloc (09022015). Collection method: clinical testing. Allele origin: germline.
Comment: This sequence change replaces valine, which is neutral and non-polar, with methionine, which is neutral and non-polar, at codon 686 of the GRIN2B protein (p.Val686Met). This variant is not present in population databases (gnomAD no frequency). This missense change has been observed in individual(s) with GRIN2B-related conditions (Invitae). In at least one individual the variant was observed to be de novo. ClinVar contains an entry for this variant (Variation ID: 1467695). Advanced modeling of protein sequence and biophysical properties (such as structural, functional, and spatial information, amino acid conservation, physicochemical variation, residue mobility, and thermodynamic stability) performed at Invitae indicates that this missense variant is expected to disrupt GRIN2B protein function with a positive predictive value of 95%. For these reasons, this variant has been classified as Pathogenic.

Literature cited by the submitters: PubMed 33004838 (cited by Ambry Genetics).